The following is an entry in ClinVar:

NM_012463.4(ATP6V0A2):c.793G>A (p.Gly265Arg)

Gene: ATP6V0A2 (ATPase H+ transporting V0 subunit a2; plus strand). Cytogenetic location: 12q24.31.
Variant type: single nucleotide variant.
Coding change: c.793G>A on transcript NM_012463.4 (MANE Select); coding-DNA position 793, G replaced by A.
Protein change: p.Gly265Arg; replaces glycine 265 with arginine.
Molecular consequence: missense variant.
Genome position (GRCh38, 1-based): chr12:123,735,592, G>A. VCF-style: chr12-123735592-G-A. GRCh37 (hg19) VCF-style: chr12-124220139-G-A.
Other names: short protein forms G265R.
Identifiers: ClinVar variation 880545 (VCV000880545.18), dbSNP rs774118423, ClinGen allele CA6861736.

ClinVar aggregate classification (germline): Uncertain significance. Review status: criteria provided, multiple submitters, no conflicts (2 of 4 stars). 5 submissions from 5 submitters: Uncertain significance (5). Last evaluated 2025-11-01.

Conditions:
ALG9 congenital disorder of glycosylation (CDG1L). Also called: CONGENITAL DISORDER OF GLYCOSYLATION, TYPE Il; ALG9-CDG; CDG Il. Identifiers: Orphanet 79328, MedGen C2931006, MONDO:0012117, OMIM 608776.
Cutis laxa with osteodystrophy (ARCL2A). Also called: CUTIS LAXA, AUTOSOMAL RECESSIVE, TYPE IIA; Debré-Type Cutis Laxa; CUTIS LAXA WITH CONGENITAL DISORDER OF GLYCOSYLATION; Autosomal recessive cutis laxa type 2A; CUTIS LAXA WITH BONE DYSTROPHY; CUTIS LAXA WITH GROWTH AND DEVELOPMENTAL DELAY. Identifiers: Orphanet 357058, MedGen C0268355, MONDO:0018163, OMIM 219200. Disease mechanism: loss of function.
Inborn genetic diseases. Identifiers: MedGen C0950123, MeSH D030342.

Allele frequency attached by ClinVar (database versions not stated): ExAC 0.00001; gnomAD 0.00003; gnomAD exomes 0.00004; TOPMed 0.00006.
gnomAD v4.1: 57 of 1,613,372 alleles (0.0035%); highest among the groups gnomAD compares: Non-Finnish European, 0.0043%; no homozygotes.

Submissions (5):

CeGaT Center for Human Genetics Tuebingen
Classification: Uncertain significance. Last evaluated: 2025-11-01. Review status: criteria provided, single submitter. Criteria: CeGaT Center For Human Genetics Tuebingen Variant Classification Criteria Version 2. Collection method: clinical testing. Allele origin: germline. Affected: yes. Observed: 1 variant allele.
Comment: ATP6V0A2: PM2

GeneDx
Classification: Uncertain significance. Last evaluated: 2024-07-16. Review status: criteria provided, single submitter. Criteria: GeneDx Variant Classification Process June 2021. Collection method: clinical testing. Allele origin: germline. Affected: yes.
Comment: Not observed at significant frequency in large population cohorts (gnomAD); In silico analysis supports that this missense variant has a deleterious effect on protein structure/function; Has not been previously published as pathogenic or benign to our knowledge

Ambry Genetics
Classification: Uncertain significance for Inborn genetic diseases. Last evaluated: 2023-06-22. Review status: criteria provided, single submitter. Criteria: Ambry Variant Classification Scheme 2023. Collection method: clinical testing. Allele origin: germline.

Labcorp Genetics (formerly Invitae), Labcorp
Classification: Uncertain significance for ALG9 congenital disorder of glycosylation. Last evaluated: 2022-05-04. Review status: criteria provided, single submitter. Criteria: Invitae Variant Classification Sherloc (09022015). Collection method: clinical testing. Allele origin: germline.
Comment: This variant is present in population databases (rs774118423, gnomAD 0.01%). This variant has not been reported in the literature in individuals affected with ATP6V0A2-related conditions. ClinVar contains an entry for this variant (Variation ID: 880545). Algorithms developed to predict the effect of missense changes on protein structure and function are either unavailable or do not agree on the potential impact of this missense change (SIFT: "Tolerated"; PolyPhen-2: "Probably Damaging"; Align-GVGD: "Class C0"). In summary, the available evidence is currently insufficient to determine the role of this variant in disease. Therefore, it has been classified as a Variant of Uncertain Significance. This sequence change replaces glycine, which is neutral and non-polar, with arginine, which is basic and polar, at codon 265 of the ATP6V0A2 protein (p.Gly265Arg).

Illumina Laboratory Services, Illumina
Classification: Uncertain significance for Cutis laxa with osteodystrophy. Last evaluated: 2018-01-12. Review status: criteria provided, single submitter. Criteria: ICSL Variant Classification Criteria 13 December 2019. Collection method: clinical testing. Allele origin: germline.